The following is an entry in ClinVar:

ClinVar aggregate classification (germline): Pathogenic (0 of 4 stars; one submission).

Conditions:
Smith-Magenis syndrome (SMS). Also called: CHROMOSOME 17p11.2 DELETION SYNDROME. Identifiers: Orphanet 819, MedGen C0795864, MONDO:0008434, OMIM 182290.

Submission:

Department of Rehabilitation, Anhui Provincial Children's Hospital
Classification: Pathogenic for Smith-Magenis syndrome. Last evaluated: 2022-11-23. Review status: no assertion criteria provided. Collection method: clinical testing. Allele origin: de novo. Affected: yes.
Comment: The c.4949_4961dup variant in the RAI1 gene is a frameshift mutation that may lead to premature termination of the polypeptide chain, thereby affecting gene function.

NM_030665.4(RAI1):c.4949_4961dup (p.Gly1655fs)

Gene: RAI1 (retinoic acid induced 1; plus strand). Cytogenetic location: 17p11.2.
Variant type: Duplication.
Coding change: c.4949_4961dup on transcript NM_030665.4 (MANE Select); coding-DNA positions 4949 to 4961, 13 bases duplicated (CCACACTCCCTGG).
Protein change: p.Gly1655fs; shifts the reading frame from glycine 1655.
Molecular consequence: frameshift variant.
Genome position (GRCh38, 1-based): chr17:17,797,897-17,797,909, CCACACTCCCTGG duplicated; duplicating any 13 consecutive bases within chr17:17,797,889-17,797,909 gives the same sequence; the c. name uses the placement nearest the transcript's 3' end. VCF-style (leftmost placement, unchanged base first): chr17-17797888-C-CCTCCCTGGCCACA. GRCh37 (hg19) VCF-style: chr17-17701202-C-CCTCCCTGGCCACA.
Other names: short protein forms G1655fs.
Identifiers: ClinVar variation 3900675 (VCV003900675.1).